The following is an entry in ClinVar:

NM_000057.4(BLM):c.1596_1598del (p.Asp532_Gln533delinsGlu)

Gene: BLM (BLM RecQ like helicase; plus strand). Cytogenetic location: 15q26.1.
Variant type: Deletion.
Coding change: c.1596_1598del on transcript NM_000057.4 (MANE Select); coding-DNA positions 1596 to 1598, 3 bases deleted (TCA; older notation c.1596_1598delTCA).
Protein change: p.Asp532_Gln533delinsGlu.
Molecular consequence: inframe indel.
Genome position (GRCh38, 1-based): chr15:90,760,969-90,760,971, TCA deleted; deleting any 3 consecutive bases within chr15:90,760,968-90,760,971 gives the same sequence; the c. name uses the placement nearest the transcript's 3' end. VCF-style (leftmost placement, unchanged base first): chr15-90760967-GATC-G. GRCh37 (hg19) VCF-style: chr15-91304197-GATC-G.
Other names: c.1596_1598del, p.Asp532_Gln533delinsGlu (NM_001287246.2, NM_001287247.2); c.471_473del, p.Asp157_Gln158delinsGlu (NM_001287248.2).
Identifiers: ClinVar variation 848935 (VCV000848935.10), dbSNP rs1895966710, ClinGen allele CA916080559.
Genomic context (GRCh38, chr15:90,760,967, plus strand): 5'-GGAAAAAAAAATGAAAGCTCTTATTTCCCAGGAAATGTTCTCACAAGCACTGCTGTGAAA[GATC>G]AGAATAAACATACTGCTTCAATAAATGACTTAGAAAGAGAAACCCAACCTTCCTATGATA-3'

ClinVar aggregate classification (germline): Uncertain significance (1 of 4 stars; one submission).

Conditions:
Bloom syndrome (BLM). Also called: Bloom-Torre-Machacek syndrome. Identifiers: Orphanet 125, MedGen C0005859, MONDO:0008876, OMIM 210900.

Submission:

Labcorp Genetics (formerly Invitae), Labcorp
Classification: Uncertain significance for Bloom syndrome. Last evaluated: 2019-12-04. Review status: criteria provided, single submitter. Criteria: Invitae Variant Classification Sherloc (09022015). Collection method: clinical testing. Allele origin: germline.
Comment: In summary, the available evidence is currently insufficient to determine the role of this variant in disease. Therefore, it has been classified as a Variant of Uncertain Significance. Experimental studies and prediction algorithms are not available or were not evaluated, and the functional significance of this variant is currently unknown. This variant has not been reported in the literature in individuals with BLM-related conditions. This variant is not present in population databases (ExAC no frequency). This variant, c.1596_1598del, results in the deletion of two amino acids and the insertion of one amino acid of the BLM protein (p.Asp532_Gln533delinsGlu), but otherwise preserves the integrity of the reading frame.